The following is an entry in ClinVar:

ClinVar aggregate classification (germline): Uncertain significance (1 of 4 stars; one submission).

Allele frequency attached by ClinVar (database versions not stated): TOPMed 0.00002.

Submission:

Ambry Genetics
Classification: Uncertain significance. Last evaluated: 2022-05-12. Review status: criteria provided, single submitter. Criteria: Ambry Variant Classification Scheme 2023. Collection method: clinical testing. Allele origin: germline.
Comment: The p.Q509H variant (also known as c.1527G>C), located in coding exon 10 of the POLQ gene, results from a G to C substitution at nucleotide position 1527. The glutamine at codon 509 is replaced by histidine, an amino acid with highly similar properties. This amino acid position is conserved. In addition, this alteration is predicted to be tolerated by in silico analysis. Since supporting evidence is limited at this time, the clinical significance of this alteration remains unclear.

NM_199420.4(POLQ):c.1527G>C (p.Gln509His)

Gene: POLQ (DNA polymerase theta; minus strand). Cytogenetic location: 3q13.33.
Variant type: single nucleotide variant.
Coding change: c.1527G>C on transcript NM_199420.4 (MANE Select); coding-DNA position 1527, G replaced by C.
Protein change: p.Gln509His; replaces glutamine 509 with histidine.
Molecular consequence: missense variant.
Genome position (GRCh38, 1-based): chr3:121,511,971, C>G on the plus strand (G>C on the coding strand, the complement: POLQ is on the minus strand). VCF-style: chr3-121511971-C-G. GRCh37 (hg19) VCF-style: chr3-121230818-C-G.
Other names: short protein forms Q509H.
Identifiers: ClinVar variation 1774544 (VCV001774544.2), dbSNP rs549137380, ClinGen allele CA354116208.
Genomic context (GRCh38, chr3:121,511,971, plus strand): 5'-GCCAGTTACTTCTTCTCCTTCTCGTCTTTGCAGACAGCTGCGAACAGGCTTTAGAGAACC[C>G]TGAAGGAGAGCTATGCCTTTTGATTTCTCAGAGTTCTTACAAATTAAGATACTCTCGCCT-3'
Protein context (NP_955452.3, residues 499-519): SEKSKGIALL[Gln509His]GSLKPVRSCL